The following is an entry in ClinVar:

ClinVar aggregate classification (germline): Uncertain significance. Review status: reviewed by expert panel (3 of 4 stars). 2 submissions from 2 submitters: Uncertain significance (1). 1 of the submissions does not count toward it. Last evaluated 2024-10-29.

Conditions:
Hereditary thrombocytopenia and hematologic cancer predisposition syndrome. Identifiers: Orphanet 71290, MedGen CN281654, MONDO:0011071.
Hereditary thrombocytopenia and hematological cancer predisposition syndrome associated with RUNX1. Also called: RUNX1 Familial Platelet Disorder with Associated Myeloid Malignancies; Familial Platelet Disorder with Propensity to Acute Myelogenous Leukemia; Familial thrombocytopenia with propensity to acute myelogenous leukemia; PLATELET DISORDER, ASPIRIN-LIKE. Identifiers: Orphanet 71290, MedGen C1832388, MeSH C563324, MONDO:0100083, OMIM 601399.

Allele frequency attached by ClinVar (database versions not stated): gnomAD exomes below 0.00001 and 0.00001.

Submissions (2):

ClinGen Myeloid Malignancy Variant Curation Expert Panel
Classification: Uncertain significance for Hereditary thrombocytopenia and hematologic cancer predisposition syndrome. Last evaluated: 2024-10-29. Review status: reviewed by expert panel. Criteria: ClinGen MyeloMalig ACMG Specifications v2. Collection method: curation. Allele origin: germline. Inheritance: Autosomal dominant inheritance.
Comment: NM_001754.5(RUNX1):c.1241A>G (p.Tyr414Cys) is a missense variant which does not meet any ACMG/AMP criteria. In summary, the clinical significance of this variant is uncertain. ACMG/AMP criteria applied, as specified by the Myeloid Malignancy Variant Curation Expert Panel for RUNX1: None.

Labcorp Genetics (formerly Invitae), Labcorp
Classification: Uncertain significance for Hereditary thrombocytopenia and hematological cancer predisposition syndrome associated with RUNX1. Last evaluated: 2021-10-07. Review status: criteria provided, single submitter. Criteria: Invitae Variant Classification Sherloc (09022015). Collection method: clinical testing. Allele origin: germline. Not counted in ClinVar's aggregate classification.
Comment: This variant has not been reported in the literature in individuals affected with RUNX1-related conditions. In summary, the available evidence is currently insufficient to determine the role of this variant in disease. Therefore, it has been classified as a Variant of Uncertain Significance. Algorithms developed to predict the effect of missense changes on protein structure and function are either unavailable or do not agree on the potential impact of this missense change (SIFT: "Tolerated"; PolyPhen-2: "Probably Damaging"; Align-GVGD: "Class C15"). This variant is not present in population databases (ExAC no frequency). This sequence change replaces tyrosine with cysteine at codon 414 of the RUNX1 protein (p.Tyr414Cys). The tyrosine residue is highly conserved and there is a large physicochemical difference between tyrosine and cysteine.

NM_001754.5(RUNX1):c.1241A>G (p.Tyr414Cys)

Gene: RUNX1 (RUNX family transcription factor 1; minus strand). Cytogenetic location: 21q22.12.
Variant type: single nucleotide variant.
Coding change: c.1241A>G on transcript NM_001754.5 (MANE Select); coding-DNA position 1241, A replaced by G.
Protein change: p.Tyr414Cys; replaces tyrosine 414 with cysteine.
Molecular consequence: missense variant.
Genome position (GRCh38, 1-based): chr21:34,792,337, T>C on the plus strand (A>G on the coding strand, the complement: RUNX1 is on the minus strand). VCF-style: chr21-34792337-T-C. GRCh37 (hg19) VCF-style: chr21-36164634-T-C.
Other names: NM_001754.5(RUNX1):c.1241A>G; p.Tyr414Cys; c.1160A>G, p.Tyr387Cys (NM_001001890.3); short protein forms Y387C, Y414C.
Identifiers: ClinVar variation 1523457 (VCV001523457.7), dbSNP rs1277204124, ClinGen allele CA410147701.